The following is an entry in ClinVar:

NM_001379270.1(CNGA1):c.971G>A (p.Gly324Glu)

Genes: CNGA1 (cyclic nucleotide gated channel subunit alpha 1; minus strand), LOC101927157 (uncharacterized LOC101927157; plus strand). Cytogenetic location: 4p12.
Variant type: single nucleotide variant.
Coding change: c.971G>A on transcript NM_001379270.1 (MANE Select); coding-DNA position 971, G replaced by A.
Protein change: p.Gly324Glu; replaces glycine 324 with glutamic acid.
Molecular consequence: missense variant.
Genome position (GRCh38, 1-based): chr4:47,937,511, C>T on the plus strand (G>A on the coding strand, the complement: CNGA1 is on the minus strand). VCF-style: chr4-47937511-C-T. GRCh37 (hg19) VCF-style: chr4-47939528-C-T.
Other names: c.971G>A, p.Gly324Glu (NM_000087.5, NM_001142564.2); short protein forms G324E.
Identifiers: ClinVar variation 3658665 (VCV003658665.2).

ClinVar aggregate classification (germline): Uncertain significance (1 of 4 stars; one submission).

gnomAD v4.1: 2 of 1,614,144 alleles (0.00012%); highest among the groups gnomAD compares: East Asian, 0.0022%; no homozygotes.

Submission:

Labcorp Genetics (formerly Invitae), Labcorp
Classification: Uncertain significance. Last evaluated: 2024-07-10. Review status: criteria provided, single submitter. Criteria: Invitae Variant Classification Sherloc (09022015). Collection method: clinical testing. Allele origin: germline.
Comment: This sequence change replaces glycine, which is neutral and non-polar, with glutamic acid, which is acidic and polar, at codon 328 of the CNGA1 protein (p.Gly328Glu). This variant is not present in population databases (gnomAD no frequency). This missense change has been observed in individual(s) with clinical features of retinitis pigmentosa (Invitae). An algorithm developed to predict the effect of missense changes on protein structure and function (PolyPhen-2) suggests that this variant is likely to be disruptive. In summary, the available evidence is currently insufficient to determine the role of this variant in disease. Therefore, it has been classified as a Variant of Uncertain Significance.